The following is an entry in ClinVar:

ClinVar aggregate classification (germline): Likely pathogenic (1 of 4 stars; one submission).

Conditions:
Inborn genetic diseases. Identifiers: MedGen C0950123, MeSH D030342.

Submission:

Ambry Genetics
Classification: Likely pathogenic for Inborn genetic diseases. Last evaluated: 2025-04-10. Review status: criteria provided, single submitter. Criteria: Ambry Variant Classification Scheme 2023. Collection method: clinical testing. Allele origin: germline.
Comment: The c.2754_2763del10 (p.Q919Wfs*45) alteration, located in exon 13 (coding exon 12) of the GRIN2B gene, consists of a deletion of 10 nucleotides from position 2754 to 2763, causing a translational frameshift with a predicted alternate stop codon after 45 amino acids. This variant is not expected to trigger nonsense-mediated mRNA decay, and impacts the last 38% of the protein. However, premature stop codons are typically deleterious in nature and a significant portion of the protein is affected (Ambry internal data). This variant was not reported in population-based cohorts in the Genome Aggregation Database (gnomAD). Based on the available evidence, this alteration is classified as likely pathogenic.

NM_000834.5(GRIN2B):c.2754_2763del (p.Gln919fs)

Gene: GRIN2B (glutamate ionotropic receptor NMDA type subunit 2B; minus strand). Cytogenetic location: 12p13.1.
Variant type: Deletion.
Coding change: c.2754_2763del on transcript NM_000834.5 (MANE Select); coding-DNA positions 2754 to 2763, 10 bases deleted (GCAGAGCGCC; older notation c.2754_2763delGCAGAGCGCC).
Protein change: p.Gln919fs; shifts the reading frame from glutamine 919.
Molecular consequence: frameshift variant.
Genome position (GRCh38, 1-based): chr12:13,564,475-13,564,484, GGCGCTCTGC deleted on the plus strand (GCAGAGCGCC on the coding strand, the reverse complement: GRIN2B is on the minus strand); deleting any 10 consecutive bases within chr12:13,564,475-13,564,486 gives the same sequence; the c. name uses the placement nearest the transcript's 3' end. VCF-style (leftmost placement, unchanged base first): chr12-13564474-GGGCGCTCTGC-G. GRCh37 (hg19) VCF-style: chr12-13717408-GGGCGCTCTGC-G.
Other names: c.2754_2763del, p.Gln919fs (NM_001413992.1); short protein forms Q919fs.
Identifiers: ClinVar variation 4032386 (VCV004032386.1).